The following is an entry in ClinVar:

NM_022114.4(PRDM16):c.677-294A>G

Gene: PRDM16 (PR/SET domain 16; plus strand). Cytogenetic location: 1p36.32.
Variant type: single nucleotide variant.
Coding change: c.677-294A>G on transcript NM_022114.4 (MANE Select); 294 bases into the intron before coding-DNA position 677, A replaced by G.
Molecular consequence: intron variant.
Genome position (GRCh38, 1-based): chr1:3,402,497, A>G. VCF-style: chr1-3402497-A-G. GRCh37 (hg19) VCF-style: chr1-3319061-A-G.
Other names: c.677-294A>G (NM_199454.3).
Identifiers: ClinVar variation 683706 (VCV000683706.1), dbSNP rs1889124, ClinGen allele CA10830040.

ClinVar aggregate classification (germline): Benign (1 of 4 stars; one submission).

Allele frequency attached by ClinVar (database versions not stated): 1000 Genomes Project 0.77137; 1000 Genomes Project 30x 0.77483; gnomAD 0.79144 and 0.79518; TOPMed 0.79278.
gnomAD v4.1: 120,472 of 152,264 alleles (79%); highest among the groups gnomAD compares: African/African-American, 90%; 48,098 homozygotes.

Submission:

GeneDx
Classification: Benign. Last evaluated: 2018-06-18. Review status: criteria provided, single submitter. Criteria: GeneDx Variant Classification (06012015). Collection method: clinical testing. Allele origin: germline. Affected: yes.
Comment: This variant is considered likely benign or benign based on one or more of the following criteria: it is a conservative change, it occurs at a poorly conserved position in the protein, it is predicted to be benign by multiple in silico algorithms, and/or has population frequency not consistent with disease.